The following is an entry in ClinVar:

NC_000017.11:g.(?_31200416)_(31206377_?)del

Gene: NF1 (neurofibromin 1; plus strand). Cytogenetic location: 17q11.2.
Variant type: Deletion.
Identifiers: ClinVar variation 527686 (VCV000527686.2).

ClinVar aggregate classification (germline): Pathogenic (1 of 4 stars; one submission).

Conditions:
Neurofibromatosis, type 1 (NF1). Also called: VON RECKLINGHAUSEN DISEASE; NEUROFIBROMATOSIS, TYPE I, SOMATIC; Peripheral type neurofibromatosis; Neurofibromatosis, type I. Identifiers: Orphanet 636, MedGen C0027831, MONDO:0018975, OMIM 162200. Disease mechanism: loss of function.

Submission:

Labcorp Genetics (formerly Invitae), Labcorp
Classification: Pathogenic for Neurofibromatosis, type 1. Last evaluated: 2019-03-01. Review status: criteria provided, single submitter. Criteria: Invitae Variant Classification Sherloc (09022015). Collection method: clinical testing. Allele origin: germline.
Comment: This variant is an in-frame deletion of the genomic region encompassing exons 9-12 of the NF1 gene. It preserves the integrity of the reading frame. This variant has been observed in individuals affected with neurofibromatosis type 1 (Invitae). The p.Leu380 amino acid residue in exon 10 of the NF1 gene has been determined to be clinically significant (PMID: 27999334, Invitae). This suggests that variants that disrupt this residue are likely to be causative of disease. For these reasons, this variant has been classified as Pathogenic.

Literature cited by the submitters: PubMed 27999334.